The following is an entry in ClinVar:

ClinVar aggregate classification (germline): Uncertain significance (1 of 4 stars; one submission).

Conditions:
Developmental delay with variable intellectual impairment and behavioral abnormalities. Identifiers: MedGen C5193092, MONDO:0032745, OMIM 618430.

gnomAD v4.1: 1 of 1,614,196 alleles (0.000062%); highest among the groups gnomAD compares: South Asian, 0.0011%; no homozygotes.

Submission:

Foundation for Research in Genetics and Endocrinology, FRIGE's Institute of Human Genetics
Classification: Uncertain significance for Developmental delay with variable intellectual impairment and behavioral abnormalities. Last evaluated: 2024-10-18. Review status: criteria provided, single submitter. Criteria: ACMG Guidelines, 2015. Collection method: clinical testing. Allele origin: germline. Inheritance: Autosomal dominant inheritance. Affected: yes. Observed: 1 heterozygote.
Comment: A heterozygous missense variant in exon 2 of the TCF20 gene that results in the amino acid substitution of Aspartic acid for Glutamic acid at codon 351 (p.Glu351Asp) was detected. This variant has not been reported in the 1000 genomes, gnomAD (v3.1), gnomAD (v2.1) and topmed databases. The in silico predictions of the variant is damaging by LRT. The reference codon is conserved across species. In summary, the variant meets our criteria to be classified as a variant of uncertain significance.

NM_001378418.1(TCF20):c.1053G>C (p.Glu351Asp)

Gene: TCF20 (transcription factor 20; minus strand). Cytogenetic location: 22q13.2.
Variant type: single nucleotide variant.
Coding change: c.1053G>C on transcript NM_001378418.1 (MANE Select); coding-DNA position 1053, G replaced by C.
Protein change: p.Glu351Asp; replaces glutamic acid 351 with aspartic acid.
Molecular consequence: missense variant.
Genome position (GRCh38, 1-based): chr22:42,214,253, C>G on the plus strand (G>C on the coding strand, the complement: TCF20 is on the minus strand). VCF-style: chr22-42214253-C-G. GRCh37 (hg19) VCF-style: chr22-42610259-C-G.
Other names: p.Glu351Asp; c.1053G>C, p.Glu351Asp (NM_005650.4, NM_181492.3); short protein forms E351D.
Identifiers: ClinVar variation 3366862 (VCV003366862.2).
Genomic context (GRCh38, chr22:42,214,253, plus strand): 5'-AGAAGGGTTAGAAATGGGGCTGAAGTTCTGGTGAAACTGCATGGGGGACCTCACAGGAAC[C>G]TCAGGCTGGTTGTACTGCCCCACTTGGCTTTGCAGGGGCAGCTTGGTGGCAGCGTTAGTA-3'
Protein context (NP_001365347.1, residues 341-361): QSQVGQYNQP[Glu351Asp]VPVRSPMQFH